The following is an entry in ClinVar:

ClinVar aggregate classification (germline): Pathogenic (1 of 4 stars; one submission).

Conditions:
Hereditary cancer-predisposing syndrome. Also called: Hereditary Cancer Syndrome; Tumor predisposition; Hereditary neoplastic syndrome; Neoplastic Syndromes, Hereditary. Identifiers: Orphanet 140162, MedGen C0027672, MeSH D009386, MONDO:0015356.

Submission:

Ambry Genetics
Classification: Pathogenic for Hereditary cancer-predisposing syndrome. Last evaluated: 2024-06-10. Review status: criteria provided, single submitter. Criteria: Ambry Variant Classification Scheme 2023. Collection method: clinical testing. Allele origin: germline.
Comment: The c.2231delC pathogenic mutation, located in coding exon 8 of the AXIN2 gene, results from a deletion of one nucleotide at nucleotide position 2231, causing a translational frameshift with a predicted alternate stop codon (p.P744Qfs*38). This variant is considered to be rare based on population cohorts in the Genome Aggregation Database (gnomAD). This alteration is expected to result in loss of function by premature protein truncation or nonsense-mediated mRNA decay. As such, this alteration is interpreted as a disease-causing mutation.

NM_004655.4(AXIN2):c.2231del (p.Pro744fs)

Gene: AXIN2 (axin 2; minus strand). Cytogenetic location: 17q24.1.
Variant type: Deletion.
Coding change: c.2231del on transcript NM_004655.4 (MANE Select); coding-DNA position 2231, one base deleted (C; older notation c.2231delC).
Protein change: p.Pro744fs; shifts the reading frame from proline 744.
Molecular consequence: frameshift variant.
Genome position (GRCh38, 1-based): chr17:65,535,632, G deleted on the plus strand (C on the coding strand, the reverse complement: AXIN2 is on the minus strand); the first of 2 consecutive G bases (chr17:65,535,632-65,535,633); deleting either gives the same sequence. VCF-style (leftmost placement, unchanged base first): chr17-65535631-TG-T. GRCh37 (hg19) VCF-style: chr17-63531749-TG-T.
Other names: c.2036del, p.Pro679fs (NM_001363813.1); c.2231delC (NM_004655.3); short protein forms P744fs, P679fs.
Identifiers: ClinVar variation 3258211 (VCV003258211.1).